The following is an entry in ClinVar:

NM_003000.3(SDHB):c.553G>T (p.Glu185Ter)

Gene: SDHB (succinate dehydrogenase complex iron sulfur subunit B; minus strand). Cytogenetic location: 1p36.13.
Variant type: single nucleotide variant.
Coding change: c.553G>T on transcript NM_003000.3 (MANE Select); coding-DNA position 553, G replaced by T.
Protein change: p.Glu185Ter; replaces glutamic acid 185 with a stop codon.
Molecular consequence: nonsense.
Genome position (GRCh38, 1-based): chr1:17,024,062, C>A on the plus strand (G>T on the coding strand, the complement: SDHB is on the minus strand). VCF-style: chr1-17024062-C-A. GRCh37 (hg19) VCF-style: chr1-17350557-C-A.
Other names: short protein forms E185*.
Identifiers: ClinVar variation 438424 (VCV000438424.6), dbSNP rs1045881797, ClinGen allele CA338271414.

ClinVar aggregate classification (germline): Pathogenic. Review status: criteria provided, multiple submitters, no conflicts (2 of 4 stars). 4 submissions from 4 submitters: Pathogenic (3). 1 of the submissions does not count toward it. Last evaluated 2024-12-24.

Conditions:
Hereditary pheochromocytoma and paraganglioma. Also called: Hereditary Paraganglioma-Pheochromocytoma Syndromes; Hereditary pheochromocytoma-paraganglioma; Hereditary paragangliomas and pheochromocytomas. Identifiers: Orphanet 29072, MedGen C4274332, MONDO:0017366.
Pheochromocytoma/paraganglioma syndrome 4. Also called: PARAGANGLIOMA, FAMILIAL MALIGNANT; PARAGANGLIOMAS, HEREDITARY EXTRAADRENAL; PHEOCHROMOCYTOMA, FAMILIAL EXTRAADRENAL; Paragangliomas 4; CAROTID BODY TUMORS AND MULTIPLE EXTRAADRENAL PHEOCHROMOCYTOMAS; SDHB-Related Hereditary Paraganglioma-Pheochromocytoma Syndrome (Paragangliomas 4). Identifiers: Orphanet 29072, MedGen C1861848, MONDO:0007273, OMIM 115310.
Gastrointestinal stromal tumor. Also called: Gastrointestinal stroma tumor; Gastrointestinal stromal tumor, somatic. Identifiers: Orphanet 44890, MedGen C0238198, MeSH D046152, MONDO:0011719, OMIM 606764, HP:0100723.
Pheochromocytoma. Also called: MAX-Related Hereditary Paraganglioma-Pheochromocytoma Syndrome. Identifiers: Orphanet 29072, MedGen C0031511, MONDO:0008233, OMIM 171300, HP:0002666.
Hereditary cancer-predisposing syndrome. Also called: Neoplastic Syndromes, Hereditary; Hereditary Cancer Syndrome; Hereditary neoplastic syndrome; Tumor predisposition. Identifiers: Orphanet 140162, MedGen C0027672, MeSH D009386, MONDO:0015356.

Submissions (4):

Labcorp Genetics (formerly Invitae), Labcorp
Classification: Pathogenic for Gastrointestinal stromal tumor; Pheochromocytoma/paraganglioma syndrome 4; Pheochromocytoma. Last evaluated: 2024-12-24. Review status: criteria provided, single submitter. Criteria: Invitae Variant Classification Sherloc (09022015). Collection method: clinical testing. Allele origin: germline.
Comment: This sequence change creates a premature translational stop signal (p.Glu185*) in the SDHB gene. It is expected to result in an absent or disrupted protein product. Loss-of-function variants in SDHB are known to be pathogenic (PMID: 19454582, 19802898). This variant is not present in population databases (gnomAD no frequency). This premature translational stop signal has been observed in individual(s) with SDHB-related conditions (PMID: 25683602, 31492822). ClinVar contains an entry for this variant (Variation ID: 438424). For these reasons, this variant has been classified as Pathogenic.

Ambry Genetics
Classification: Pathogenic for Hereditary cancer-predisposing syndrome. Last evaluated: 2023-10-06. Review status: criteria provided, single submitter. Criteria: Ambry Variant Classification Scheme 2023. Collection method: clinical testing. Allele origin: germline.
Comment: The p.E185* pathogenic mutation (also known as c.553G>T), located in coding exon 6 of the SDHB gene, results from a G to T substitution at nucleotide position 553. This changes the amino acid from a glutamic acid to a stop codon within coding exon 6. In addition to the clinical data presented in the literature, this alteration is expected to result in loss of function by premature protein truncation or nonsense-mediated mRNA decay. As such, this alteration is interpreted as a disease-causing mutation.

Institute of Human Genetics, University Hospital of Duesseldorf
Classification: Pathogenic for Pheochromocytoma/paraganglioma syndrome 4. Review status: criteria provided, single submitter. Criteria: ACMG Guidelines, 2015. Collection method: not provided. Allele origin: germline. Inheritance: Autosomal dominant inheritance. Affected: yes.

Section on Medical Neuroendocrinolgy, National Institutes of Health
Classification: Pathogenic for Hereditary pheochromocytoma and paraganglioma. Review status: no assertion criteria provided. Collection method: research. Allele origin: germline. Affected: yes. Not counted in ClinVar's aggregate classification.

Literature cited by the submitters: PubMed 19454582 (cited by Labcorp Genetics (formerly Invitae), Labcorp); PubMed 19802898 (cited by Labcorp Genetics (formerly Invitae), Labcorp); PubMed 25683602 (cited by Labcorp Genetics (formerly Invitae), Labcorp and Ambry Genetics); PubMed 31492822 (cited by Labcorp Genetics (formerly Invitae), Labcorp); PubMed 22573489 (cited by Ambry Genetics).